The following is an entry in ClinVar:

NM_000081.4(LYST):c.6841G>C (p.Gly2281Arg)

Gene: LYST (lysosomal trafficking regulator; minus strand). Cytogenetic location: 1q42.3.
Variant type: single nucleotide variant.
Coding change: c.6841G>C on transcript NM_000081.4 (MANE Select); coding-DNA position 6841, G replaced by C.
Protein change: p.Gly2281Arg; replaces glycine 2281 with arginine.
Molecular consequence: missense variant.
Genome position (GRCh38, 1-based): chr1:235,759,012, C>G on the plus strand (G>C on the coding strand, the complement: LYST is on the minus strand). VCF-style: chr1-235759012-C-G. GRCh37 (hg19) VCF-style: chr1-235922312-C-G.
Other names: c.6841G>C, p.Gly2281Arg (NM_001301365.1); short protein forms G2281R.
Identifiers: ClinVar variation 1511368 (VCV001511368.5), dbSNP rs751234673, ClinGen allele CA1466297.

ClinVar aggregate classification (germline): Uncertain significance (1 of 4 stars; one submission).

Conditions:
Chédiak-Higashi syndrome (CHS). Also called: Chediak-Higashi Syndrome. Identifiers: Orphanet 167, MedGen C0007965, MONDO:0008963, OMIM 214500.

Allele frequency attached by ClinVar (database versions not stated): ExAC 0.00001.
gnomAD v4.1: 1 of 1,614,008 alleles (0.000062%); highest among the groups gnomAD compares: Non-Finnish European, 0.000085%; no homozygotes.

Submission:

Labcorp Genetics (formerly Invitae), Labcorp
Classification: Uncertain significance for Chédiak-Higashi syndrome. Last evaluated: 2021-08-26. Review status: criteria provided, single submitter. Criteria: Invitae Variant Classification Sherloc (09022015). Collection method: clinical testing. Allele origin: germline.
Comment: This sequence change replaces glycine with arginine at codon 2281 of the LYST protein (p.Gly2281Arg). The glycine residue is weakly conserved and there is a moderate physicochemical difference between glycine and arginine. This variant is present in population databases (rs751234673, ExAC 0.002%). This variant has not been reported in the literature in individuals affected with LYST-related conditions. Algorithms developed to predict the effect of missense changes on protein structure and function output the following: SIFT: "Tolerated"; PolyPhen-2: "Benign"; Align-GVGD: "Class C0". The arginine amino acid residue is found in multiple mammalian species, which suggests that this missense change does not adversely affect protein function. In summary, the available evidence is currently insufficient to determine the role of this variant in disease. Therefore, it has been classified as a Variant of Uncertain Significance.